The following is an entry in ClinVar:

NM_002485.5(NBN):c.-2C>T

Gene: NBN (nibrin; minus strand). Cytogenetic location: 8q21.3.
Variant type: single nucleotide variant.
Coding change: c.-2C>T on transcript NM_002485.5 (MANE Select); 2 bases upstream of the start codon, C replaced by T.
Molecular consequence: 5 prime UTR variant.
Genome position (GRCh38, 1-based): chr8:89,984,563, G>A on the plus strand (C>T on the coding strand, the complement: NBN is on the minus strand). VCF-style: chr8-89984563-G-A. GRCh37 (hg19) VCF-style: chr8-90996791-G-A.
Other names: c.-298C>T (NM_001024688.3).
Identifiers: ClinVar variation 142094 (VCV000142094.17), dbSNP rs202104448, ClinGen allele CA167381.
Genomic context (GRCh38, chr8:89,984,563, plus strand): 5'-GAGGCTTCCCTTCTGCCCTTACCTCCTGCCGGGCCCGCGGCGGGCAGCAGTTTCCACATC[G>A]GTCCGGCTCCTCAGGGCTGGGGCCGACGTGCAACCGCGTAACCGGGGCTGCTAGACGAGC-3'

ClinVar aggregate classification (germline): Benign/Likely benign. Review status: criteria provided, multiple submitters, no conflicts (2 of 4 stars). 7 submissions from 7 submitters: Benign (1); Likely benign (5). 1 of the submissions does not count toward it. Last evaluated 2026-02-03.

Conditions:
Hereditary cancer-predisposing syndrome. Also called: Neoplastic Syndromes, Hereditary; Hereditary Cancer Syndrome; Hereditary neoplastic syndrome; Tumor predisposition. Identifiers: Orphanet 140162, MedGen C0027672, MeSH D009386, MONDO:0015356.
Aplastic anemia. Identifiers: Orphanet 182040, Orphanet 88, MedGen C0002874, MONDO:0015909, OMIM 609135, HP:0001915.
Microcephaly, normal intelligence and immunodeficiency (NBS). Also called: Immunodeficiency, microcephaly with normal intelligence; SEEMANOVA SYNDROME II; Nijmegen breakage syndrome; Microcephaly with normal intelligence immunodeficiency and lymphoreticular malignancies; Nonsyndromal microcephaly autosomal recessive with normal intelligence; Seemanova syndrome 2. Identifiers: Orphanet 647, MedGen C0398791, MONDO:0009623, OMIM 251260.
Acute lymphoid leukemia (ALL). Also called: Acute lymphoblastic leukemia; Acute lymphocytic leukemia; Leukemia, acute lymphoblastic, somatic; Lymphoblastic leukemia. Identifiers: Orphanet 513, MedGen C0023449, MONDO:0004967, OMIM 613065, HP:0006721.
Malignant tumor of breast. Also called: Malignant breast neoplasm; Cancer breast. Identifiers: MedGen C0006142, MONDO:0007254. Disease mechanism: loss of function.

Allele frequency attached by ClinVar (database versions not stated): gnomAD 0.00010; TOPMed 0.00014; 1000 Genomes Project 0.00040; 1000 Genomes Project 30x 0.00062.
gnomAD v4.1: 64 of 1,613,110 alleles (0.004%); highest among the groups gnomAD compares: East Asian, 0.13%; no homozygotes.

Submissions (7):

Labcorp Genetics (formerly Invitae), Labcorp
Classification: Benign for Microcephaly, normal intelligence and immunodeficiency. Last evaluated: 2026-02-03. Review status: criteria provided, single submitter. Criteria: Invitae Variant Classification Sherloc (09022015). Collection method: clinical testing. Allele origin: germline.

Hereditary Cancer Laboratory, Hospital Universitario 12 de Octubre
Classification: Likely benign for Hereditary cancer-predisposing syndrome. Last evaluated: 2025-03-24. Review status: criteria provided, single submitter. Criteria: ACMG Guidelines, 2015. Collection method: clinical testing. Allele origin: germline.

Quest Diagnostics Nichols Institute San Juan Capistrano
Classification: Likely benign. Last evaluated: 2025-02-18. Review status: criteria provided, single submitter. Criteria: Quest Diagnostics criteria. Collection method: clinical testing. Allele origin: unknown.

Fulgent Genetics
Classification: Likely benign for Microcephaly, normal intelligence and immunodeficiency; Aplastic anemia; Acute lymphoid leukemia. Last evaluated: 2021-07-23. Review status: criteria provided, single submitter. Criteria: ACMG Guidelines, 2015. Collection method: clinical testing. Allele origin: unknown.

GeneDx
Classification: Likely benign. Last evaluated: 2019-08-02. Review status: criteria provided, single submitter. Criteria: GeneDx Variant Classification Process June 2021. Collection method: clinical testing. Allele origin: germline. Affected: yes.

Ambry Genetics
Classification: Likely benign for Hereditary cancer-predisposing syndrome. Last evaluated: 2019-01-25. Review status: criteria provided, single submitter. Criteria: Ambry Variant Classification Scheme 2023. Collection method: clinical testing. Allele origin: germline.

Department of Pathology and Laboratory Medicine, Sinai Health System
Classification: Uncertain significance for Malignant tumor of breast. Review status: no assertion criteria provided. Collection method: clinical testing. Allele origin: unknown. Affected: yes. Study: The Canadian Open Genetics Repository (COGR). Not counted in ClinVar's aggregate classification.
Comment: The NBN c.-2C>T variant was not identified in the literature nor was it identified in the Cosmic, LOVD 3.0, or Zhejiang Colon Cancer Database. The variant was identified in dbSNP (ID: rs202104448) as â€šÃ„ÃºWith Likely benign alleleâ€šÃ„Ã¹, ClinVar (as likely benign by Ambry Genetics and GeneDx), and Clinvitae (2x). The variant was not identified in the following control databases: the 1000 Genomes Project, the NHLBI GO Exome Sequencing Project, the Exome Aggregation Consortium (August 8th 2016), or the Genome Aggregation Database (Feb 27, 2017). This variant occurs within the Kozak promoter consensus sequence and a cytosine residue is normally located at this site. This is not enough information to determine the clinical significance with certainty. In summary, based on the above information, the clinical significance of this variant cannot be determined with certainty at this time. This variant is classified as a variant of uncertain significance.